The following is an entry in ClinVar:

ClinVar aggregate classification (germline): Pathogenic/Likely pathogenic. Review status: criteria provided, multiple submitters, no conflicts (2 of 4 stars). 2 submissions from 2 submitters: Pathogenic (1); Likely pathogenic (1). Last evaluated 2022-07-05.

Conditions:
Ciliary dyskinesia, primary, 39. Also called: CILIARY DYSKINESIA, PRIMARY, 39, WITH OR WITHOUT SITUS INVERSUS. Identifiers: MedGen C4748841, MONDO:0032637, OMIM 618254.

gnomAD v4.1: 1 of 1,570,476 alleles (0.000064%); highest among the groups gnomAD compares: Middle Eastern, 0.018%; no homozygotes.

Submissions (2):

Labcorp Genetics (formerly Invitae), Labcorp
Classification: Pathogenic. Last evaluated: 2022-07-05. Review status: criteria provided, single submitter. Criteria: Invitae Variant Classification Sherloc (09022015). Collection method: clinical testing. Allele origin: germline.
Comment: This sequence change creates a premature translational stop signal (p.Tyr53*) in the LRRC56 gene. It is expected to result in an absent or disrupted protein product. Loss-of-function variants in LRRC56 are known to be pathogenic (PMID: 30388400). For these reasons, this variant has been classified as Pathogenic. This premature translational stop signal has been observed in individual(s) with primary ciliary dyskinesia (Invitae). This variant is not present in population databases (gnomAD no frequency).

Baylor Genetics
Classification: Likely pathogenic for Ciliary dyskinesia, primary, 39. Last evaluated: 2022-05-20. Review status: criteria provided, single submitter. Criteria: ACMG Guidelines, 2015. Collection method: clinical testing. Allele origin: unknown.

Literature cited by the submitters: PubMed 30388400 (cited by Labcorp Genetics (formerly Invitae), Labcorp).

NM_198075.4(LRRC56):c.159C>A (p.Tyr53Ter)

Gene: LRRC56 (leucine rich repeat containing 56; plus strand). Cytogenetic location: 11p15.5.
Variant type: single nucleotide variant.
Coding change: c.159C>A on transcript NM_198075.4 (MANE Select); coding-DNA position 159, C replaced by A.
Protein change: p.Tyr53Ter; replaces tyrosine 53 with a stop codon.
Molecular consequence: nonsense.
Genome position (GRCh38, 1-based): chr11:540,843, C>A. VCF-style: chr11-540843-C-A. GRCh37 (hg19) VCF-style: chr11-540843-C-A.
Other names: short protein forms Y53*.
Identifiers: ClinVar variation 2050626 (VCV002050626.5), dbSNP rs2539848777, ClinGen allele CA378931402.